The following is an entry in ClinVar:

ClinVar aggregate classification (germline): Uncertain significance (1 of 4 stars; one submission).

Conditions:
Hypercholesterolemia, autosomal dominant, 3 (FHCL3). Also called: Familial Hypercholesterolemia, Autosomal Dominant, 3; PCSK9-Related Familial Hypercholesterolemia, Autosomal Dominant; Familial hypercholesterolemia 3. Identifiers: MedGen C1863551, MONDO:0011369, OMIM 603776.

gnomAD v4.1: 8 of 1,613,792 alleles (0.0005%); highest among the groups gnomAD compares: Non-Finnish European, 0.00068%; no homozygotes.

Submission:

Labcorp Genetics (formerly Invitae), Labcorp
Classification: Uncertain significance for Hypercholesterolemia, autosomal dominant, 3. Last evaluated: 2025-01-29. Review status: criteria provided, single submitter. Criteria: Invitae Variant Classification Sherloc (09022015). Collection method: clinical testing. Allele origin: germline.
Comment: This sequence change replaces glutamic acid, which is acidic and polar, with glutamine, which is neutral and polar, at codon 403 of the PCSK9 protein (p.Glu403Gln). This variant is present in population databases (rs778562344, gnomAD 0.0009%). This variant has not been reported in the literature in individuals affected with PCSK9-related conditions. Invitae Evidence Modeling of protein sequence and biophysical properties (such as structural, functional, and spatial information, amino acid conservation, physicochemical variation, residue mobility, and thermodynamic stability) indicates that this missense variant is not expected to disrupt PCSK9 protein function with a negative predictive value of 80%. In summary, the available evidence is currently insufficient to determine the role of this variant in disease. Therefore, it has been classified as a Variant of Uncertain Significance.

NM_174936.4(PCSK9):c.1207G>C (p.Glu403Gln)

Gene: PCSK9 (proprotein convertase subtilisin/kexin type 9; plus strand). Cytogenetic location: 1p32.3.
Variant type: single nucleotide variant.
Coding change: c.1207G>C on transcript NM_174936.4 (MANE Select); coding-DNA position 1207, G replaced by C.
Protein change: p.Glu403Gln; replaces glutamic acid 403 with glutamine.
Molecular consequence: missense variant. On other transcripts: non-coding transcript variant (8), intron variant (2).
Genome position (GRCh38, 1-based): chr1:55,058,062, G>C. VCF-style: chr1-55058062-G-C. GRCh37 (hg19) VCF-style: chr1-55523735-G-C.
Other names: c.1330G>C, p.Glu444Gln (NM_001407240.1); c.1207G>C, p.Glu403Gln (NM_001407241.1); c.1210G>C, p.Glu404Gln (NM_001407242.1); c.1150G>C, p.Glu384Gln (NM_001407243.1); c.1015G>C, p.Glu339Gln (NM_001407245.1); c.832G>C, p.Glu278Gln (NM_001407246.1); c.1181-437G>C (NM_001407244.1); c.1180+548G>C (NM_001407247.1); short protein forms E339Q, E384Q, E403Q, E404Q, E444Q, E278Q.
Identifiers: ClinVar variation 3664989 (VCV003664989.2).